The following is an entry in ClinVar:

NM_020435.4(GJC2):c.1084G>A (p.Ala362Thr)

Gene: GJC2 (gap junction protein gamma 2; plus strand). Cytogenetic location: 1q42.13.
Variant type: single nucleotide variant.
Coding change: c.1084G>A on transcript NM_020435.4 (MANE Select); coding-DNA position 1084, G replaced by A.
Protein change: p.Ala362Thr; replaces alanine 362 with threonine.
Molecular consequence: missense variant.
Genome position (GRCh38, 1-based): chr1:228,158,842, G>A. VCF-style: chr1-228158842-G-A. GRCh37 (hg19) VCF-style: chr1-228346543-G-A.
Other names: short protein forms A362T.
Identifiers: ClinVar variation 994441 (VCV000994441.16), dbSNP rs565574386, ClinGen allele CA1430945.

ClinVar aggregate classification (germline): Conflicting classifications of pathogenicity. Review status: criteria provided, conflicting classifications (1 of 4 stars). 2 submissions from 2 submitters: Uncertain significance (1); Likely benign (1). Last evaluated 2024-09-09.

Conditions:
Spastic paraplegia. Identifiers: MedGen C0037772, HP:0001258.

Allele frequency attached by ClinVar (database versions not stated): gnomAD below 0.00001 and 0.00009; TOPMed 0.00001; gnomAD exomes 0.00011 and 0.00044; 1000 Genomes Project 0.00080; 1000 Genomes Project 30x 0.00109; ExAC 0.00208.
gnomAD v4.1: 152 of 1,470,400 alleles (0.01%); highest among the groups gnomAD compares: South Asian, 0.18%; 2 homozygotes.

Submissions (2):

Labcorp Genetics (formerly Invitae), Labcorp
Classification: Likely benign for Spastic paraplegia. Last evaluated: 2024-09-09. Review status: criteria provided, single submitter. Criteria: Invitae Variant Classification Sherloc (09022015). Collection method: clinical testing. Allele origin: germline.

ARUP Laboratories, Molecular Genetics and Genomics, ARUP Laboratories
Classification: Uncertain significance. Last evaluated: 2019-10-30. Review status: criteria provided, single submitter. Criteria: ARUP Molecular Germline Variant Investigation Process. Collection method: clinical testing. Allele origin: germline.
Comment: The GJC2 c.1084G>A; p.Ala362Thr variant (rs565574386), to our knowledge, is not reported in the medical literature or gene specific databases. This variant is found in the South Asian population with an allele frequency of 0.21% (37/17784 alleles, including a single homozygote) in the Genome Aggregation Database. The alanine at codon 362 is moderately conserved, and computational analyses (SIFT, PolyPhen-2) predict that this variant is tolerated. Due to limited information, the clinical significance of the p.Ala362Thr variant is uncertain at this time.